The following is an entry in ClinVar:

ClinVar aggregate classification (germline): Uncertain significance. Review status: criteria provided, multiple submitters, no conflicts (2 of 4 stars). 2 submissions from 2 submitters: Uncertain significance (2). Last evaluated 2026-04-14.

Conditions:
Familial intrahepatic cholestasis. Identifiers: Orphanet 284385, MedGen CN296401, MONDO:0017290.

gnomAD v4.1: 5 of 1,613,212 alleles (0.00031%); highest among the groups gnomAD compares: Non-Finnish European, 0.00042%; no homozygotes.

Submissions (2):

Genomenon, Inc
Classification: Uncertain significance for Familial intrahepatic cholestasis. Last evaluated: 2026-04-14. Review status: criteria provided, single submitter. Criteria: Genomenon Sequence Variant Interpretation Standards - Updated. Collection method: curation. Allele origin: germline. Affected: yes.
Comment: ABCB11 p.Gly278Glu (c.833G>A) is a missense variant that changes the amino acid at residue 278 from Glycine to Glutamic acid. This variant has been observed in at least one proband with an ABCB11-related disorder (PMID:39768432). It is absent or not present at a significant frequency in gnomAD. In silico models predict that this variant is possibly or probably damaging. In conclusion, we classify ABCB11 p.Gly278Glu (c.833G>A) as a variant of uncertain significance.

CeGaT Center for Human Genetics Tuebingen
Classification: Uncertain significance. Last evaluated: 2021-12-01. Review status: criteria provided, single submitter. Criteria: CeGaT Center For Human Genetics Tuebingen Variant Classification Criteria Version 2. Collection method: clinical testing. Allele origin: germline. Affected: yes. Observed: 2 variant alleles.

Literature cited by the submitters: PubMed 39768432 (cited by Genomenon, Inc).

NM_003742.4(ABCB11):c.833G>A (p.Gly278Glu)

Gene: ABCB11 (ATP binding cassette subfamily B member 11; minus strand). Cytogenetic location: 2q31.1.
Variant type: single nucleotide variant.
Coding change: c.833G>A on transcript NM_003742.4 (MANE Select); coding-DNA position 833, G replaced by A.
Protein change: p.Gly278Glu; replaces glycine 278 with glutamic acid.
Molecular consequence: missense variant.
Genome position (GRCh38, 1-based): chr2:168,990,876, C>T on the plus strand (G>A on the coding strand, the complement: ABCB11 is on the minus strand). VCF-style: chr2-168990876-C-T. GRCh37 (hg19) VCF-style: chr2-169847386-C-T.
Other names: short protein forms G278E.
Identifiers: ClinVar variation 1298839 (VCV001298839.36), dbSNP rs1253763035, ClinGen allele CA349125645.